The following is an entry in ClinVar:

NM_030665.4(RAI1):c.215C>T (p.Ala72Val)

Gene: RAI1 (retinoic acid induced 1; plus strand). Cytogenetic location: 17p11.2.
Variant type: single nucleotide variant.
Coding change: c.215C>T on transcript NM_030665.4 (MANE Select); coding-DNA position 215, C replaced by T.
Protein change: p.Ala72Val; replaces alanine 72 with valine.
Molecular consequence: missense variant.
Genome position (GRCh38, 1-based): chr17:17,793,163, C>T. VCF-style: chr17-17793163-C-T. GRCh37 (hg19) VCF-style: chr17-17696477-C-T.
Other names: c.215C>T (NM_030665.3); short protein forms A72V.
Identifiers: ClinVar variation 3673896 (VCV003673896.4).

ClinVar aggregate classification (germline): Conflicting classifications of pathogenicity. Review status: criteria provided, conflicting classifications (1 of 4 stars). 3 submissions from 3 submitters: Uncertain significance (2); Likely benign (1). Last evaluated 2025-10-15.

Conditions:
Inborn genetic diseases. Identifiers: MedGen C0950123, MeSH D030342.
RAI1-related disorder. Also called: RAI1-related condition.

gnomAD v4.1: 13 of 1,612,898 alleles (0.00081%); highest among the groups gnomAD compares: South Asian, 0.0044%; no homozygotes.

Submissions (3):

Ambry Genetics
Classification: Likely benign for Inborn genetic diseases. Last evaluated: 2025-10-15. Review status: criteria provided, single submitter. Criteria: Ambry Variant Classification Scheme 2023. Collection method: clinical testing. Allele origin: germline.

PreventionGenetics, part of Exact Sciences
Classification: Uncertain significance for RAI1-related condition. Last evaluated: 2024-11-07. Review status: criteria provided, single submitter. Criteria: ACMG Guidelines, 2015. Collection method: clinical testing. Allele origin: germline.
Comment: The RAI1 c.215C>T variant is predicted to result in the amino acid substitution p.Ala72Val. To our knowledge, this variant has not been reported in the literature. This variant is reported in 0.010% of alleles in individuals of Ashkenazi Jewish descent in gnomAD, which may be too common to be a primary cause of disease. Although we suspect that this variant may be benign, at this time, the clinical significance of this variant is uncertain due to the absence of conclusive functional and genetic evidence.

Labcorp Genetics (formerly Invitae), Labcorp
Classification: Uncertain significance. Last evaluated: 2024-07-30. Review status: criteria provided, single submitter. Criteria: Invitae Variant Classification Sherloc (09022015). Collection method: clinical testing. Allele origin: germline.
Comment: This sequence change replaces alanine, which is neutral and non-polar, with valine, which is neutral and non-polar, at codon 72 of the RAI1 protein (p.Ala72Val). This variant is present in population databases (rs772784544, gnomAD 0.01%). This variant has not been reported in the literature in individuals affected with RAI1-related conditions. An algorithm developed to predict the effect of missense changes on protein structure and function (PolyPhen-2) suggests that this variant is likely to be tolerated. In summary, the available evidence is currently insufficient to determine the role of this variant in disease. Therefore, it has been classified as a Variant of Uncertain Significance.